The following is an entry in ClinVar:

ClinVar aggregate classification (germline): Uncertain significance (1 of 4 stars; one submission).

Allele frequency attached by ClinVar (database versions not stated): ExAC 0.00001.

Submission:

Labcorp Genetics (formerly Invitae), Labcorp
Classification: Uncertain significance. Last evaluated: 2022-06-07. Review status: criteria provided, single submitter. Criteria: Invitae Variant Classification Sherloc (09022015). Collection method: clinical testing. Allele origin: germline.
Comment: In summary, the available evidence is currently insufficient to determine the role of this variant in disease. Therefore, it has been classified as a Variant of Uncertain Significance. Algorithms developed to predict the effect of missense changes on protein structure and function are either unavailable or do not agree on the potential impact of this missense change (SIFT: "Tolerated"; PolyPhen-2: "Not Available"; Align-GVGD: "Class C0"). This variant has not been reported in the literature in individuals affected with ASXL2-related conditions. This variant is present in population databases (rs745874693, gnomAD 0.003%). This sequence change replaces serine, which is neutral and polar, with isoleucine, which is neutral and non-polar, at codon 1176 of the ASXL2 protein (p.Ser1176Ile).

NM_018263.6(ASXL2):c.3527G>T (p.Ser1176Ile)

Gene: ASXL2 (ASXL transcriptional regulator 2; minus strand). Cytogenetic location: 2p23.3.
Variant type: single nucleotide variant.
Coding change: c.3527G>T on transcript NM_018263.6 (MANE Select); coding-DNA position 3527, G replaced by T.
Protein change: p.Ser1176Ile; replaces serine 1176 with isoleucine.
Molecular consequence: missense variant.
Genome position (GRCh38, 1-based): chr2:25,742,810, C>A on the plus strand (G>T on the coding strand, the complement: ASXL2 is on the minus strand). VCF-style: chr2-25742810-C-A. GRCh37 (hg19) VCF-style: chr2-25965679-C-A.
Other names: c.3353G>T, p.Ser1118Ile (NM_001369346.1); c.2747G>T, p.Ser916Ile (NM_001369347.1); short protein forms S1176I, S1118I, S916I.
Identifiers: ClinVar variation 2002580 (VCV002002580.4), dbSNP rs745874693, ClinGen allele CA1557461.